The following is an entry in ClinVar:

NM_001844.5(COL2A1):c.3735C>T (p.Ala1245=)

Gene: COL2A1 (collagen type II alpha 1 chain; minus strand). Cytogenetic location: 12q13.11.
Variant type: single nucleotide variant.
Coding change: c.3735C>T on transcript NM_001844.5 (MANE Select); coding-DNA position 3735, C replaced by T.
Protein change: p.Ala1245=; no amino-acid change (alanine 1245 retained).
Molecular consequence: synonymous variant.
Genome position (GRCh38, 1-based): chr12:47,975,468, G>A on the plus strand (C>T on the coding strand, the complement: COL2A1 is on the minus strand). VCF-style: chr12-47975468-G-A. GRCh37 (hg19) VCF-style: chr12-48369251-G-A.
Other names: c.3528C>T, p.Ala1176= (NM_033150.3).
Identifiers: ClinVar variation 509386 (VCV000509386.8), dbSNP rs752469047, ClinGen allele CA6534654.

ClinVar aggregate classification (germline): Likely benign. Review status: criteria provided, multiple submitters, no conflicts (2 of 4 stars). 2 submissions from 2 submitters: Likely benign (2). Last evaluated 2024-04-09.

Allele frequency attached by ClinVar (database versions not stated): ExAC 0.00001; gnomAD exomes 0.00002; TOPMed 0.00003; gnomAD 0.00004 and 0.00005.
gnomAD v4.1: 45 of 1,613,882 alleles (0.0028%); highest among the groups gnomAD compares: Middle Eastern, 0.016%; no homozygotes.

Submissions (2):

Labcorp Genetics (formerly Invitae), Labcorp
Classification: Likely benign. Last evaluated: 2024-04-09. Review status: criteria provided, single submitter. Criteria: Invitae Variant Classification Sherloc (09022015). Collection method: clinical testing. Allele origin: germline.

GeneDx
Classification: Likely benign. Last evaluated: 2017-05-04. Review status: criteria provided, single submitter. Criteria: GeneDx Variant Classification (06012015). Collection method: clinical testing. Allele origin: germline. Affected: yes.
Comment: This variant is considered likely benign or benign based on one or more of the following criteria: it is a conservative change, it occurs at a poorly conserved position in the protein, it is predicted to be benign by multiple in silico algorithms, and/or has population frequency not consistent with disease.